The following is an entry in ClinVar:

ClinVar aggregate classification (germline): Uncertain significance (1 of 4 stars; one submission).

Allele frequency attached by ClinVar (database versions not stated): ExAC 0.00005; gnomAD 0.00005; gnomAD exomes 0.00002.
gnomAD v4.1: 36 of 1,343,982 alleles (0.0027%); highest among the groups gnomAD compares: Non-Finnish European, 0.0035%; no homozygotes.

Submissions (2):

Labcorp Genetics (formerly Invitae), Labcorp
Classification: Uncertain significance. Last evaluated: 2022-02-21. Review status: criteria provided, single submitter. Criteria: Invitae Variant Classification Sherloc (09022015). Collection method: clinical testing. Allele origin: germline.
Comment: This sequence change falls in intron 11 of the EXOSC9 gene. It does not directly change the encoded amino acid sequence of the EXOSC9 protein. The frequency data for this variant in the population databases is considered unreliable, as metrics indicate poor data quality at this position in the gnomAD database. This variant has not been reported in the literature in individuals affected with EXOSC9-related conditions. Algorithms developed to predict the effect of sequence changes on RNA splicing suggest that this variant may disrupt the consensus splice site. In summary, the available evidence is currently insufficient to determine the role of this variant in disease. Therefore, it has been classified as a Variant of Uncertain Significance.

Dr. Peter K. Rogan Lab, Western University
No classification provided (evidence only). Condition: Lung cancer. Review status: no classification provided. Collection method: in vitro. Allele origin: not applicable. Functional consequence: retained intron. Not counted in ClinVar's aggregate classification.

NM_005033.3(EXOSC9):c.1157-18A>G

Gene: EXOSC9 (exosome component 9; plus strand). Cytogenetic location: 4q27.
Variant type: single nucleotide variant.
Coding change: c.1157-18A>G on transcript NM_005033.3 (MANE Select); 18 bases into the intron before coding-DNA position 1157, A replaced by G.
Molecular consequence: intron variant.
Genome position (GRCh38, 1-based): chr4:121,816,351, A>G. VCF-style: chr4-121816351-A-G. GRCh37 (hg19) VCF-style: chr4-122737506-A-G.
Other names: c.1208-18A>G (NM_001034194.2).
Identifiers: ClinVar variation 1504315 (VCV001504315.4), dbSNP rs62322622, ClinGen allele CA3063665.